The following is an entry in ClinVar:

ClinVar aggregate classification (germline): Uncertain significance (1 of 4 stars; one submission).

Conditions:
Long QT syndrome (LQTS). Identifiers: MedGen C0023976, MeSH D008133, MONDO:0002442. Disease mechanism: loss of function. Inheritance: Various modes of inheritance.

gnomAD v4.1: 1 of 1,613,352 alleles (0.000062%); highest among the groups gnomAD compares: Non-Finnish European, 0.000085%; no homozygotes.

Submission:

Labcorp Genetics (formerly Invitae), Labcorp
Classification: Uncertain significance for Long QT syndrome. Last evaluated: 2024-12-05. Review status: criteria provided, single submitter. Criteria: Invitae Variant Classification Sherloc (09022015). Collection method: clinical testing. Allele origin: germline.
Comment: This sequence change replaces glycine, which is neutral and non-polar, with aspartic acid, which is acidic and polar, at codon 2004 of the CACNA1C protein (p.Gly2004Asp). This variant is not present in population databases (gnomAD no frequency). This variant has not been reported in the literature in individuals affected with CACNA1C-related conditions. Invitae Evidence Modeling of protein sequence and biophysical properties (such as structural, functional, and spatial information, amino acid conservation, physicochemical variation, residue mobility, and thermodynamic stability) indicates that this missense variant is not expected to disrupt CACNA1C protein function with a negative predictive value of 95%. In summary, the available evidence is currently insufficient to determine the role of this variant in disease. Therefore, it has been classified as a Variant of Uncertain Significance.

NM_000719.7(CACNA1C):c.6011G>A (p.Gly2004Asp)

Genes: CACNA1C (calcium voltage-gated channel subunit alpha1 C; plus strand), CACNA1C-AS1 (CACNA1C antisense RNA 1; minus strand). Cytogenetic location: 12p13.33.
Variant type: single nucleotide variant.
Coding change: c.6011G>A on transcript NM_000719.7 (MANE Select); coding-DNA position 6011, G replaced by A.
Protein change: p.Gly2004Asp; replaces glycine 2004 with aspartic acid.
Molecular consequence: missense variant.
Genome position (GRCh38, 1-based): chr12:2,688,673, G>A. VCF-style: chr12-2688673-G-A. GRCh37 (hg19) VCF-style: chr12-2797839-G-A.
Other names: c.6068G>A, p.Gly2023Asp (NM_001129835.2, NM_001129833.2, NM_001129834.2); c.6062G>A, p.Gly2021Asp (NM_001129836.2); c.6035G>A, p.Gly2012Asp (NM_001129837.2, NM_001129838.2); c.6029G>A, p.Gly2010Asp (NM_001129839.2); c.6011G>A, p.Gly2004Asp (NM_001129840.2, NM_001129841.2, NM_001129842.2 and 2 more transcripts); c.6002G>A, p.Gly2001Asp (NM_001129844.2); c.5978G>A, p.Gly1993Asp (NM_001129846.2); c.6116G>A, p.Gly2039Asp (NM_001167624.3, NM_001129830.3); and 6 more; short protein forms G1993D, G2001D, G2004D, G2010D, G2012D, G2021D, G2023D, G2024D.
Identifiers: ClinVar variation 3614960 (VCV003614960.2).